The following is an entry in ClinVar:

ClinVar aggregate classification (germline): Uncertain significance (1 of 4 stars; one submission).

Submission:

Labcorp Genetics (formerly Invitae), Labcorp
Classification: Uncertain significance. Last evaluated: 2022-08-21. Review status: criteria provided, single submitter. Criteria: Invitae Variant Classification Sherloc (09022015). Collection method: clinical testing. Allele origin: germline.
Comment: Algorithms developed to predict the effect of missense changes on protein structure and function output the following: SIFT: "Tolerated"; PolyPhen-2: "Possibly Damaging"; Align-GVGD: "Class C0". The threonine amino acid residue is found in multiple mammalian species, which suggests that this missense change does not adversely affect protein function. In summary, the available evidence is currently insufficient to determine the role of this variant in disease. Therefore, it has been classified as a Variant of Uncertain Significance. This variant has not been reported in the literature in individuals affected with RBP3-related conditions. This variant is not present in population databases (gnomAD no frequency). This sequence change replaces alanine, which is neutral and non-polar, with threonine, which is neutral and polar, at codon 944 of the RBP3 protein (p.Ala944Thr).

NM_002900.3(RBP3):c.2830G>A (p.Ala944Thr)

Gene: RBP3 (retinol binding protein 3; plus strand). Cytogenetic location: 10q11.22.
Variant type: single nucleotide variant.
Coding change: c.2830G>A on transcript NM_002900.3 (MANE Select); coding-DNA position 2830, G replaced by A.
Protein change: p.Ala944Thr; replaces alanine 944 with threonine.
Molecular consequence: missense variant.
Genome position (GRCh38, 1-based): chr10:47,351,314, G>A. VCF-style: chr10-47351314-G-A. GRCh37 (hg19) VCF-style: chr10-48388048-C-T.
Other names: short protein forms A944T.
Identifiers: ClinVar variation 1717255 (VCV001717255.5), dbSNP rs2549029559, ClinGen allele CA376675219.